The following is an entry in ClinVar:

NM_032444.4(SLX4):c.4036C>T (p.Pro1346Ser)

Gene: SLX4 (SLX4 structure-specific endonuclease subunit; minus strand). Cytogenetic location: 16p13.3.
Variant type: single nucleotide variant.
Coding change: c.4036C>T on transcript NM_032444.4 (MANE Select); coding-DNA position 4036, C replaced by T.
Protein change: p.Pro1346Ser; replaces proline 1346 with serine.
Molecular consequence: missense variant.
Genome position (GRCh38, 1-based): chr16:3,589,602, G>A on the plus strand (C>T on the coding strand, the complement: SLX4 is on the minus strand). VCF-style: chr16-3589602-G-A. GRCh37 (hg19) VCF-style: chr16-3639603-G-A.
Other names: short protein forms P1346S.
Identifiers: ClinVar variation 1005978 (VCV001005978.8), dbSNP rs2040554159, ClinGen allele CA394518548.

ClinVar aggregate classification (germline): Uncertain significance (1 of 4 stars; one submission).

Conditions:
Fanconi anemia (FA). Also called: Fanconi's anemia. Identifiers: Orphanet 84, MedGen C0015625, MeSH D005199, MONDO:0019391.

gnomAD v4.1: 1 of 1,613,822 alleles (0.000062%); no homozygotes.

Submission:

Labcorp Genetics (formerly Invitae), Labcorp
Classification: Uncertain significance for Fanconi anemia. Last evaluated: 2020-02-06. Review status: criteria provided, single submitter. Criteria: Invitae Variant Classification Sherloc (09022015). Collection method: clinical testing. Allele origin: germline.
Comment: This variant is not present in population databases (ExAC no frequency). This variant has not been reported in the literature in individuals with SLX4-related conditions. Algorithms developed to predict the effect of missense changes on protein structure and function output the following: SIFT: "Tolerated"; PolyPhen-2: "Benign"; Align-GVGD: "Class C0". The serine amino acid residue is found in multiple mammalian species, suggesting that this missense change does not adversely affect protein function. These predictions have not been confirmed by published functional studies and their clinical significance is uncertain. In summary, the available evidence is currently insufficient to determine the role of this variant in disease. Therefore, it has been classified as a Variant of Uncertain Significance. This sequence change replaces proline with serine at codon 1346 of the SLX4 protein (p.Pro1346Ser). The proline residue is moderately conserved and there is a moderate physicochemical difference between proline and serine.